The following is an entry in ClinVar:

NM_152783.5(D2HGDH):c.997+6G>A

Gene: D2HGDH (D-2-hydroxyglutarate dehydrogenase; plus strand). Cytogenetic location: 2q37.3.
Variant type: single nucleotide variant.
Coding change: c.997+6G>A on transcript NM_152783.5 (MANE Select); 6 bases into the intron after coding-DNA position 997, G replaced by A.
Molecular consequence: intron variant.
Genome position (GRCh38, 1-based): chr2:241,750,300, G>A. VCF-style: chr2-241750300-G-A. GRCh37 (hg19) VCF-style: chr2-242689715-G-A.
Other names: c.997+6G>A (NM_152783.4); c.436+6G>A (NM_001352824.2); c.595+6G>A (NM_001287249.2).
Identifiers: ClinVar variation 1504707 (VCV001504707.6), dbSNP rs749247772, ClinGen allele CA2221855.

ClinVar aggregate classification (germline): Uncertain significance. Review status: criteria provided, multiple submitters, no conflicts (2 of 4 stars). 2 submissions from 2 submitters: Uncertain significance (2). Last evaluated 2026-01-19.

Conditions:
D-2-hydroxyglutaric aciduria 1 (D2HGA1). Identifiers: Orphanet 79315, MedGen C3152055, MONDO:0024554, OMIM 600721.

Allele frequency attached by ClinVar (database versions not stated): gnomAD exomes below 0.00001 and 0.00001; ExAC 0.00003; gnomAD 0.00010 and 0.00012; TOPMed 0.00013.
gnomAD v4.1: 21 of 1,475,098 alleles (0.0014%); highest among the groups gnomAD compares: African/African-American, 0.028%; no homozygotes.

Submissions (2):

Labcorp Genetics (formerly Invitae), Labcorp
Classification: Uncertain significance for D-2-hydroxyglutaric aciduria 1. Last evaluated: 2026-01-19. Review status: criteria provided, single submitter. Criteria: Invitae Variant Classification Sherloc (09022015). Collection method: clinical testing. Allele origin: germline.
Comment: This sequence change falls in intron 7 of the D2HGDH gene. It does not directly change the encoded amino acid sequence of the D2HGDH protein. It affects a nucleotide within the consensus splice site. This variant is present in population databases (rs749247772, gnomAD 0.02%). This variant has not been reported in the literature in individuals affected with D2HGDH-related conditions. ClinVar contains an entry for this variant (Variation ID: 1504707). Variants that disrupt the consensus splice site are a relatively common cause of aberrant splicing (PMID: 17576681, 9536098). Algorithms developed to predict the effect of sequence changes on RNA splicing suggest that this variant is not likely to affect RNA splicing. In summary, the available evidence is currently insufficient to determine the role of this variant in disease. Therefore, it has been classified as a Variant of Uncertain Significance.

Women's Health and Genetics/Laboratory Corporation of America, LabCorp
Classification: Uncertain significance. Last evaluated: 2023-05-11. Review status: criteria provided, single submitter. Criteria: LabCorp Variant Classification Summary - May 2015. Collection method: clinical testing. Allele origin: germline.
Comment: Variant summary: D2HGDH c.997+6G>A alters a nucleotide located close to a canonical splice site and therefore could affect mRNA splicing, leading to a significantly altered protein sequence. 4/4 computational tools predict no significant impact on normal splicing. However, these predictions have yet to be confirmed by functional studies. The variant allele was found at a frequency of 1.2e-05 in 248348 control chromosomes. The available data on variant occurrences in the general population are insufficient to allow any conclusion about variant significance. To our knowledge, no occurrence of c.997+6G>A in individuals affected with D-2 Hydroxyglutaric Aciduria 1 and no experimental evidence demonstrating its impact on protein function have been reported. One clinical diagnostic laboratory has submitted clinical-significance assessments for this variant to ClinVar after 2014 and classified the variant as uncertain significance. Based on the evidence outlined above, the variant was classified as uncertain significance.

Literature cited by the submitters: PubMed 17576681 (cited by Labcorp Genetics (formerly Invitae), Labcorp); PubMed 9536098 (cited by Labcorp Genetics (formerly Invitae), Labcorp).